The following is an entry in ClinVar:

NM_003201.3(TFAM):c.315G>A (p.Ala105=)

Gene: TFAM (transcription factor A, mitochondrial; plus strand). Cytogenetic location: 10q21.1.
Variant type: single nucleotide variant.
Coding change: c.315G>A on transcript NM_003201.3 (MANE Select); coding-DNA position 315, G replaced by A.
Protein change: p.Ala105=; no amino-acid change (alanine 105 retained).
Molecular consequence: synonymous variant. On other transcripts: non-coding transcript variant (1).
Genome position (GRCh38, 1-based): chr10:58,388,693, G>A. VCF-style: chr10-58388693-G-A. GRCh37 (hg19) VCF-style: chr10-60148453-G-A.
Other names: c.315G>A, p.Ala105= (NM_001270782.2).
Identifiers: ClinVar variation 1316810 (VCV001316810.14), dbSNP rs139514719, ClinGen allele CA5507943.
Genomic context (GRCh38, chr10:58,388,693, plus strand): 5'-AATGGTTTGTTGACTTACTTGGGTTTTTTATTTATAGATATATCAAGATGCTTATAGGGC[G>A]GAGTGGCAGGTATATAAAGAAGAGATAAGCAGATTTAAAGAACAGCTAACTCCAAGTCAG-3'
Protein context (NP_003192.1, residues 95-115): KKKIYQDAYR[Ala105=]EWQVYKEEIS

ClinVar aggregate classification (germline): Benign/Likely benign. Review status: criteria provided, multiple submitters, no conflicts (2 of 4 stars). 4 submissions from 4 submitters: Benign (1); Likely benign (3). Last evaluated 2025-12-23.

Conditions:
TFAM-related disorder. Also called: TFAM-related condition.

Allele frequency attached by ClinVar (database versions not stated): 1000 Genomes Project 30x 0.00016; 1000 Genomes Project 0.00020; ESP Exome Variant Server 0.00046; gnomAD exomes 0.00079 and 0.00096; gnomAD 0.00094 and 0.00099; ExAC 0.00098.
gnomAD v4.1: 1,300 of 1,613,574 alleles (0.081%); highest among the groups gnomAD compares: South Asian, 0.092%; 2 homozygotes.

Submissions (4):

Labcorp Genetics (formerly Invitae), Labcorp
Classification: Benign. Last evaluated: 2025-12-23. Review status: criteria provided, single submitter. Criteria: Invitae Variant Classification Sherloc (09022015). Collection method: clinical testing. Allele origin: germline.

CeGaT Center for Human Genetics Tuebingen
Classification: Likely benign. Last evaluated: 2025-04-01. Review status: criteria provided, single submitter. Criteria: CeGaT Center For Human Genetics Tuebingen Variant Classification Criteria Version 2. Collection method: clinical testing. Allele origin: germline. Affected: yes. Observed: 1 variant allele.
Comment: TFAM: BP4, BP7

PreventionGenetics, part of Exact Sciences
Classification: Likely benign for TFAM-related condition. Last evaluated: 2025-03-03. Review status: criteria provided, single submitter. Criteria: ACMG Guidelines, 2015. Collection method: clinical testing. Allele origin: germline.
Comment: This variant is classified as likely benign based on ACMG/AMP sequence variant interpretation guidelines (Richards et al. 2015 PMID: 25741868, with internal and published modifications).

GeneDx
Classification: Likely benign. Last evaluated: 2021-09-03. Review status: criteria provided, single submitter. Criteria: GeneDx Variant Classification Process June 2021. Collection method: clinical testing. Allele origin: germline. Affected: yes.